The following is an entry in ClinVar:

NM_012062.5(DNM1L):c.871A>G (p.Arg291Gly)

Gene: DNM1L (dynamin 1 like; plus strand). Cytogenetic location: 12p11.21.
Variant type: single nucleotide variant.
Coding change: c.871A>G on transcript NM_012062.5 (MANE Select); coding-DNA position 871, A replaced by G.
Protein change: p.Arg291Gly; replaces arginine 291 with glycine.
Molecular consequence: missense variant.
Genome position (GRCh38, 1-based): chr12:32,720,794, A>G. VCF-style: chr12-32720794-A-G. GRCh37 (hg19) VCF-style: chr12-32873728-A-G.
Other names: c.871A>G, p.Arg291Gly (NM_012063.4, NM_001278463.2, NM_005690.5); c.910A>G, p.Arg304Gly (NM_001278464.2, NM_001278465.2, NM_001330380.2); c.262A>G, p.Arg88Gly (NM_001278466.2); short protein forms R304G, R291G, R88G.
Identifiers: ClinVar variation 2852597 (VCV002852597.3), dbSNP rs2541041358, ClinGen allele CA384369722.

ClinVar aggregate classification (germline): Uncertain significance (1 of 4 stars; one submission).

Submission:

Labcorp Genetics (formerly Invitae), Labcorp
Classification: Uncertain significance. Last evaluated: 2024-02-12. Review status: criteria provided, single submitter. Criteria: Invitae Variant Classification Sherloc (09022015). Collection method: clinical testing. Allele origin: germline.
Comment: This sequence change replaces arginine, which is basic and polar, with glycine, which is neutral and non-polar, at codon 291 of the DNM1L protein (p.Arg291Gly). This variant is not present in population databases (gnomAD no frequency). This variant has not been reported in the literature in individuals affected with DNM1L-related conditions. An algorithm developed to predict the effect of missense changes on protein structure and function (PolyPhen-2) suggests that this variant is likely to be tolerated. In summary, the available evidence is currently insufficient to determine the role of this variant in disease. Therefore, it has been classified as a Variant of Uncertain Significance.